The following is an entry in ClinVar:

NM_201384.3(PLEC):c.3601G>A (p.Glu1201Lys)

Gene: PLEC (plectin; minus strand). Cytogenetic location: 8q24.3.
Variant type: single nucleotide variant.
Coding change: c.3601G>A on transcript NM_201384.3 (MANE Select); coding-DNA position 3601, G replaced by A.
Protein change: p.Glu1201Lys; replaces glutamic acid 1201 with lysine.
Molecular consequence: missense variant.
Genome position (GRCh38, 1-based): chr8:143,927,565, C>T on the plus strand (G>A on the coding strand, the complement: PLEC is on the minus strand). VCF-style: chr8-143927565-C-T. GRCh37 (hg19) VCF-style: chr8-145001733-C-T.
Other names: c.3682G>A, p.Glu1228Lys (NM_000445.5); c.3559G>A, p.Glu1187Lys (NM_201378.4); c.3535G>A, p.Glu1179Lys (NM_201379.3); c.4012G>A, p.Glu1338Lys (NM_201380.4); c.3505G>A, p.Glu1169Lys (NM_201381.3); c.3601G>A, p.Glu1201Lys (NM_201382.4); c.3613G>A, p.Glu1205Lys (NM_201383.3); c.3682G>A (NM_000445.3); short protein forms E1205K, E1169K, E1187K, E1201K, E1338K, E1179K, E1228K.
Identifiers: ClinVar variation 597565 (VCV000597565.14), dbSNP rs782581435, ClinGen allele CA4927008.

ClinVar aggregate classification (germline): Uncertain significance. Review status: criteria provided, multiple submitters, no conflicts (2 of 4 stars). 3 submissions from 3 submitters: Uncertain significance (3). Last evaluated 2026-01-27.

Conditions:
Epidermolysis bullosa simplex 5B, with muscular dystrophy (EBS5B). Also called: Epidermolysis bullosa simplex with muscular dystrophy; EPIDERMOLYSIS BULLOSA SIMPLEX AND LIMB-GIRDLE MUSCULAR DYSTROPHY. Identifiers: Orphanet 257, MedGen C2931072, MONDO:0009181, OMIM 226670.
Epidermolysis bullosa simplex, Ogna type (EBS5A). Also called: Pidermolysis bullosa simplex 5A, Ogna type; EPIDERMOLYSIS BULLOSA SIMPLEX 5A, OGNA TYPE. Identifiers: Orphanet 79401, MedGen C0432317, MONDO:0007555, OMIM 131950.
Epidermolysis bullosa simplex with nail dystrophy (EBS5D). Identifiers: MedGen C4225309, MONDO:0014661, OMIM 616487.
Autosomal recessive limb-girdle muscular dystrophy type 2Q (LGMDR17). Also called: MUSCULAR DYSTROPHY, LIMB-GIRDLE, AUTOSOMAL RECESSIVE 17. Identifiers: Orphanet 254361, MedGen C3150989, MONDO:0013390, OMIM 613723.
Epidermolysis bullosa simplex 5C, with pyloric atresia (EBS5C). Also called: PLEC-Related Epidermolysis Bullosa with Pyloric Atresia; Epidermolysis bullosa simplex with pyloric atresia; PLEC1-Related Epidermolysis Bullosa with Pyloric Atresia. Identifiers: Orphanet 158684, MedGen C2677349, MONDO:0012807, OMIM 612138.
Inborn genetic diseases. Identifiers: MedGen C0950123, MeSH D030342.

Allele frequency attached by ClinVar (database versions not stated): gnomAD 0.00007; TOPMed 0.00008; ExAC 0.00010; gnomAD exomes 0.00010 and 0.00028.
gnomAD v4.1: 401 of 1,592,318 alleles (0.025%); highest among the groups gnomAD compares: Non-Finnish European, 0.033%; no homozygotes.

Submissions (3):

Labcorp Genetics (formerly Invitae), Labcorp
Classification: Uncertain significance for Autosomal recessive limb-girdle muscular dystrophy type 2Q; Epidermolysis bullosa simplex, Ogna type; Epidermolysis bullosa simplex with nail dystrophy; Epidermolysis bullosa simplex 5C, with pyloric atresia; Epidermolysis bullosa simplex 5B, with muscular dystrophy. Last evaluated: 2026-01-27. Review status: criteria provided, single submitter. Criteria: Invitae Variant Classification Sherloc (09022015). Collection method: clinical testing. Allele origin: germline.
Comment: This sequence change replaces glutamic acid, which is acidic and polar, with lysine, which is basic and polar, at codon 1228 of the PLEC protein (p.Glu1228Lys). This variant is present in population databases (rs782581435, gnomAD 0.02%). This variant has not been reported in the literature in individuals affected with PLEC-related conditions. ClinVar contains an entry for this variant (Variation ID: 597565). Invitae Evidence Modeling of protein sequence and biophysical properties (such as structural, functional, and spatial information, amino acid conservation, physicochemical variation, residue mobility, and thermodynamic stability) indicates that this missense variant is not expected to disrupt PLEC protein function with a negative predictive value of 80%. In summary, the available evidence is currently insufficient to determine the role of this variant in disease. Therefore, it has been classified as a Variant of Uncertain Significance.

Ambry Genetics
Classification: Uncertain significance for Inborn genetic diseases. Last evaluated: 2025-11-26. Review status: criteria provided, single submitter. Criteria: Ambry Variant Classification Scheme 2023. Collection method: clinical testing. Allele origin: germline.

Eurofins Ntd Llc (ga)
Classification: Uncertain significance. Last evaluated: 2018-06-14. Review status: criteria provided, single submitter. Criteria: EGL ClinVar v180209 classification definitions. Collection method: clinical testing. Allele origin: germline. Observed: 1 variant allele, 1 heterozygote.